The following is an entry in ClinVar:

ClinVar aggregate classification (germline): Uncertain significance (1 of 4 stars; one submission).

Submission:

GeneDx
Classification: Uncertain significance. Last evaluated: 2025-05-14. Review status: criteria provided, single submitter. Criteria: GeneDx Variant Classification Process June 2021. Collection method: clinical testing. Allele origin: germline. Affected: yes.
Comment: Not observed at significant frequency in large population cohorts (gnomAD); In silico analysis supports that this missense variant has a deleterious effect on protein structure/function; Has not been previously published as pathogenic or benign to our knowledge

NM_001128840.3(CACNA1D):c.3281T>A (p.Leu1094His)

Gene: CACNA1D (calcium voltage-gated channel subunit alpha1 D; plus strand). Cytogenetic location: 3p21.1.
Variant type: single nucleotide variant.
Coding change: c.3281T>A on transcript NM_001128840.3 (MANE Select); coding-DNA position 3281, T replaced by A.
Protein change: p.Leu1094His; replaces leucine 1094 with histidine.
Molecular consequence: missense variant.
Genome position (GRCh38, 1-based): chr3:53,747,415, T>A. VCF-style: chr3-53747415-T-A. GRCh37 (hg19) VCF-style: chr3-53781442-T-A.
Other names: c.3341T>A, p.Leu1114His (NM_000720.4); c.3281T>A, p.Leu1094His (NM_001128839.3); short protein forms L1094H, L1114H.
Identifiers: ClinVar variation 4529580 (VCV004529580.1).